The following is an entry in ClinVar:

NM_014014.5(SNRNP200):c.3392A>G (p.Gln1131Arg)

Gene: SNRNP200 (small nuclear ribonucleoprotein U5 subunit 200; minus strand). Cytogenetic location: 2q11.2.
Variant type: single nucleotide variant.
Coding change: c.3392A>G on transcript NM_014014.5 (MANE Select); coding-DNA position 3392, A replaced by G.
Protein change: p.Gln1131Arg; replaces glutamine 1131 with arginine.
Molecular consequence: missense variant.
Genome position (GRCh38, 1-based): chr2:96,287,531, T>C on the plus strand (A>G on the coding strand, the complement: SNRNP200 is on the minus strand). VCF-style: chr2-96287531-T-C. GRCh37 (hg19) VCF-style: chr2-96953269-T-C.
Other names: short protein forms Q1131R.
Identifiers: ClinVar variation 2822552 (VCV002822552.4), dbSNP rs1369813925, ClinGen allele CA347672767.
Genomic context (GRCh38, chr2:96,287,531, plus strand): 5'-TCAAAGGGGAAATTCTTCTTCTCAATCTTCTTCACTACTTCCTCAGGGAGTTTCCGGAAC[T>C]GGCGCAGAGGACACATGGACTGCCACCTATCCAGGAAGGAGGCAAAGCTGTTGGTCCCTT-3'
Protein context (NP_054733.2, residues 1121-1141): RMWQSMCPLR[Gln1131Arg]FRKLPEEVVK

ClinVar aggregate classification (germline): Uncertain significance. Review status: criteria provided, multiple submitters, no conflicts (2 of 4 stars). 2 submissions from 2 submitters: Uncertain significance (2). Last evaluated 2023-10-09.

Allele frequency attached by ClinVar (database versions not stated): gnomAD exomes below 0.00001.
gnomAD v4.1: 3 of 1,614,084 alleles (0.00019%); highest among the groups gnomAD compares: South Asian, 0.0022%; no homozygotes.

Submissions (2):

Labcorp Genetics (formerly Invitae), Labcorp
Classification: Uncertain significance. Last evaluated: 2023-10-09. Review status: criteria provided, single submitter. Criteria: Invitae Variant Classification Sherloc (09022015). Collection method: clinical testing. Allele origin: germline.
Comment: This sequence change replaces glutamine, which is neutral and polar, with arginine, which is basic and polar, at codon 1131 of the SNRNP200 protein (p.Gln1131Arg). This variant is present in population databases (no rsID available, gnomAD 0.006%). This variant has not been reported in the literature in individuals affected with SNRNP200-related conditions. Advanced modeling of protein sequence and biophysical properties (such as structural, functional, and spatial information, amino acid conservation, physicochemical variation, residue mobility, and thermodynamic stability) performed at Invitae indicates that this missense variant is expected to disrupt SNRNP200 protein function. In summary, the available evidence is currently insufficient to determine the role of this variant in disease. Therefore, it has been classified as a Variant of Uncertain Significance.

Blueprint Genetics
Classification: Uncertain significance. Last evaluated: 2022-12-16. Review status: criteria provided, single submitter. Criteria: ACMG Guidelines, 2015. Collection method: clinical testing. Allele origin: germline.